The following is an entry in ClinVar:

NM_006059.4(LAMC3):c.52G>T (p.Ala18Ser)

Gene: LAMC3 (laminin subunit gamma 3; plus strand). Cytogenetic location: 9q34.12.
Variant type: single nucleotide variant.
Coding change: c.52G>T on transcript NM_006059.4 (MANE Select); coding-DNA position 52, G replaced by T.
Protein change: p.Ala18Ser; replaces alanine 18 with serine.
Molecular consequence: missense variant.
Genome position (GRCh38, 1-based): chr9:131,009,266, G>T. VCF-style: chr9-131009266-G-T. GRCh37 (hg19) VCF-style: chr9-133884653-G-T.
Other names: short protein forms A18S.
Identifiers: ClinVar variation 1510431 (VCV001510431.6), dbSNP rs1348976199, ClinGen allele CA375250272.

ClinVar aggregate classification (germline): Uncertain significance (1 of 4 stars; one submission).

Allele frequency attached by ClinVar (database versions not stated): gnomAD exomes 0.00001.
gnomAD v4.1: 2 of 1,305,958 alleles (0.00015%); highest among the groups gnomAD compares: South Asian, 0.0022%; no homozygotes.

Submission:

Labcorp Genetics (formerly Invitae), Labcorp
Classification: Uncertain significance. Last evaluated: 2021-08-05. Review status: criteria provided, single submitter. Criteria: Invitae Variant Classification Sherloc (09022015). Collection method: clinical testing. Allele origin: germline.
Comment: In summary, the available evidence is currently insufficient to determine the role of this variant in disease. Therefore, it has been classified as a Variant of Uncertain Significance. The frequency data for this variant in the population databases is considered unreliable, as metrics indicate insufficient coverage at this position in the ExAC database. This variant has not been reported in the literature in individuals affected with LAMC3-related conditions. Algorithms developed to predict the effect of missense changes on protein structure and function output the following: SIFT: "Tolerated"; PolyPhen-2: "Not Available"; Align-GVGD: "Class C0". The serine amino acid residue is found in multiple mammalian species, which suggests that this missense change does not adversely affect protein function. This sequence change replaces alanine with serine at codon 18 of the LAMC3 protein (p.Ala18Ser). The alanine residue is weakly conserved and there is a moderate physicochemical difference between alanine and serine.